The following is an entry in ClinVar:

NM_001330260.2(SCN8A):c.2863A>T (p.Ile955Phe)

Gene: SCN8A (sodium voltage-gated channel alpha subunit 8; plus strand). Cytogenetic location: 12q13.13.
Variant type: single nucleotide variant.
Coding change: c.2863A>T on transcript NM_001330260.2 (MANE Select); coding-DNA position 2863, A replaced by T.
Protein change: p.Ile955Phe; replaces isoleucine 955 with phenylalanine.
Molecular consequence: missense variant.
Genome position (GRCh38, 1-based): chr12:51,765,989, A>T. VCF-style: chr12-51765989-A-T. GRCh37 (hg19) VCF-style: chr12-52159773-A-T.
Other names: c.2863A>T, p.Ile955Phe (NM_001177984.3, NM_001369788.1, NM_014191.4); short protein forms I955F.
Identifiers: ClinVar variation 2764491 (VCV002764491.3), dbSNP rs2540260674, ClinGen allele CA384889784.

ClinVar aggregate classification (germline): Uncertain significance (1 of 4 stars; one submission).

Conditions:
Early-infantile DEE. Also called: Ohtahara syndrome; Early infantile epileptic encephalopathy; Early infantile epileptic encephalopathy with suppression bursts. Identifiers: Orphanet 1934, MedGen C0393706, MONDO:0800491.

Submission:

Labcorp Genetics (formerly Invitae), Labcorp
Classification: Uncertain significance for Early-infantile DEE. Last evaluated: 2023-09-29. Review status: criteria provided, single submitter. Criteria: Invitae Variant Classification Sherloc (09022015). Collection method: clinical testing. Allele origin: germline.
Comment: This sequence change replaces isoleucine, which is neutral and non-polar, with phenylalanine, which is neutral and non-polar, at codon 955 of the SCN8A protein (p.Ile955Phe). This variant is not present in population databases (gnomAD no frequency). This variant has not been reported in the literature in individuals affected with SCN8A-related conditions. Advanced modeling of protein sequence and biophysical properties (such as structural, functional, and spatial information, amino acid conservation, physicochemical variation, residue mobility, and thermodynamic stability) performed at Invitae indicates that this missense variant is not expected to disrupt SCN8A protein function. In summary, the available evidence is currently insufficient to determine the role of this variant in disease. Therefore, it has been classified as a Variant of Uncertain Significance.